The following is an entry in ClinVar:

NM_005902.4(SMAD3):c.284C>T (p.Pro95Leu)

Gene: SMAD3 (SMAD family member 3; plus strand). Cytogenetic location: 15q22.33.
Variant type: single nucleotide variant.
Coding change: c.284C>T on transcript NM_005902.4 (MANE Select); coding-DNA position 284, C replaced by T.
Protein change: p.Pro95Leu; replaces proline 95 with leucine.
Molecular consequence: missense variant. On other transcripts: 5 prime UTR variant (1).
Genome position (GRCh38, 1-based): chr15:67,164,972, C>T. VCF-style: chr15-67164972-C-T. GRCh37 (hg19) VCF-style: chr15-67457310-C-T.
Other names: c.284C>T (NM_005902.3); c.-32C>T (NM_001145102.2); c.152C>T, p.Pro51Leu (NM_001145103.2); short protein forms P51L, P95L.
Identifiers: ClinVar variation 993641 (VCV000993641.11), dbSNP rs1962536528, ClinGen allele CA392953922.

ClinVar aggregate classification (germline): Uncertain significance. Review status: criteria provided, multiple submitters, no conflicts (2 of 4 stars). 3 submissions from 3 submitters: Uncertain significance (3). Last evaluated 2025-04-28.

Conditions:
Aneurysm-osteoarthritis syndrome. Also called: SMAD3-Related Loeys-Dietz Syndrome; ANEURYSMS-OSTEOARTHRITIS SYNDROME; Loeys-Dietz syndrome, type 1C; LOEYS-DIETZ SYNDROME WITH OSTEOARTHRITIS. Identifiers: Orphanet 284984, MedGen C3151087, MONDO:0013426, OMIM 613795.
Familial thoracic aortic aneurysm and aortic dissection (TAAD). Also called: Thoracic aortic aneurysms and dissections. Identifiers: Orphanet 91387, MedGen C4707243, MONDO:0019625.

Submissions (3):

GeneDx
Classification: Uncertain significance. Last evaluated: 2025-04-28. Review status: criteria provided, single submitter. Criteria: GeneDx Variant Classification Process June 2021. Collection method: clinical testing. Allele origin: germline. Affected: yes.
Comment: Not observed at significant frequency in large population cohorts (gnomAD); In silico analysis supports that this missense variant has a deleterious effect on protein structure/function; This variant is associated with the following publications: (PMID: 25944730)

Labcorp Genetics (formerly Invitae), Labcorp
Classification: Uncertain significance for Familial thoracic aortic aneurysm and aortic dissection. Last evaluated: 2024-07-10. Review status: criteria provided, single submitter. Criteria: Invitae Variant Classification Sherloc (09022015). Collection method: clinical testing. Allele origin: germline.
Comment: This sequence change replaces proline, which is neutral and non-polar, with leucine, which is neutral and non-polar, at codon 95 of the SMAD3 protein (p.Pro95Leu). This variant is not present in population databases (gnomAD no frequency). This missense change has been observed in individuals with SMAD3-related conditions (PMID: 25944730; Invitae). ClinVar contains an entry for this variant (Variation ID: 993641). Advanced modeling of protein sequence and biophysical properties (such as structural, functional, and spatial information, amino acid conservation, physicochemical variation, residue mobility, and thermodynamic stability) performed at Invitae indicates that this missense variant is expected to disrupt SMAD3 protein function with a positive predictive value of 80%. In summary, the available evidence is currently insufficient to determine the role of this variant in disease. Therefore, it has been classified as a Variant of Uncertain Significance.

ARUP Laboratories, Molecular Genetics and Genomics, ARUP Laboratories
Classification: Uncertain significance for Aneurysm-osteoarthritis syndrome. Last evaluated: 2020-08-08. Review status: criteria provided, single submitter. Criteria: ARUP Molecular Germline Variant Investigation Process. Collection method: clinical testing. Allele origin: germline.
Comment: The SMAD3 c.284C>T; p.Pro95Leu variant is reported in the literature in an individual affected with aortic dissection (Wooderchak-Donahue 2015). This variant is absent from general population databases (Exome Variant Server, Genome Aggregation Database), indicating it is not a common polymorphism. The proline at codon 95 is highly conserved and computational analyses (SIFT, PolyPhen-2) predict that this variant is deleterious. However, due to limited information, the clinical significance of the p.Pro95Leu variant is uncertain at this time. References: Wooderchak-Donahue W et al. Clinical utility of a next generation sequencing panel assay for Marfan and Marfan-like syndromes featuring aortopathy. Am J Med Genet A. 2015;167A(8):1747-1757.

Literature cited by the submitters: PubMed 25944730 (cited by Labcorp Genetics (formerly Invitae), Labcorp).